The following is an entry in ClinVar:

NM_005419.4(STAT2):c.2079C>G (p.His693Gln)

Gene: STAT2 (signal transducer and activator of transcription 2; minus strand). Cytogenetic location: 12q13.3.
Variant type: single nucleotide variant.
Coding change: c.2079C>G on transcript NM_005419.4 (MANE Select); coding-DNA position 2079, C replaced by G.
Protein change: p.His693Gln; replaces histidine 693 with glutamine.
Molecular consequence: missense variant.
Genome position (GRCh38, 1-based): chr12:56,346,169, G>C on the plus strand (C>G on the coding strand, the complement: STAT2 is on the minus strand). VCF-style: chr12-56346169-G-C. GRCh37 (hg19) VCF-style: chr12-56739953-G-C.
Other names: c.2046C>G, p.His682Gln (NM_001385110.1); c.1980C>G, p.His660Gln (NM_001385111.1); c.2079C>G, p.His693Gln (NM_001385113.1); c.2058C>G, p.His686Gln (NM_001385114.1); c.2037C>G, p.His679Gln (NM_001385115.1); c.2067C>G, p.His689Gln (NM_198332.2); short protein forms H679Q, H689Q, H686Q, H693Q, H660Q, H682Q.
Identifiers: ClinVar variation 1396208 (VCV001396208.5), dbSNP rs200918874, ClinGen allele CA6630321.

ClinVar aggregate classification (germline): Uncertain significance (1 of 4 stars; one submission).

Conditions:
Primary immunodeficiency with post-measles-mumps-rubella vaccine viral infection. Also called: Immunodeficiency 44. Identifiers: Orphanet 431166, MedGen C4225260, MONDO:0014715, OMIM 616636.

Allele frequency attached by ClinVar (database versions not stated): gnomAD exomes 0.00002; ExAC 0.00004; 1000 Genomes Project 0.00040; 1000 Genomes Project 30x 0.00047.
gnomAD v4.1: 12 of 1,614,226 alleles (0.00074%); highest among the groups gnomAD compares: Admixed American, 0.0033%; no homozygotes.

Submission:

Labcorp Genetics (formerly Invitae), Labcorp
Classification: Uncertain significance for Primary immunodeficiency with post-measles-mumps-rubella vaccine viral infection. Last evaluated: 2021-09-24. Review status: criteria provided, single submitter. Criteria: Invitae Variant Classification Sherloc (09022015). Collection method: clinical testing. Allele origin: germline.
Comment: This sequence change replaces histidine with glutamine at codon 693 of the STAT2 protein (p.His693Gln). The histidine residue is moderately conserved and there is a small physicochemical difference between histidine and glutamine. This variant is present in population databases (rs200918874, ExAC 0.02%). This variant has not been reported in the literature in individuals with STAT2-related conditions. Advanced modeling of protein sequence and biophysical properties (such as structural, functional, and spatial information, amino acid conservation, physicochemical variation, residue mobility, and thermodynamic stability) performed at Invitae indicates that this missense variant is not expected to disrupt STAT2 protein function. In summary, the available evidence is currently insufficient to determine the role of this variant in disease. Therefore, it has been classified as a Variant of Uncertain Significance.